The following is an entry in ClinVar:

NM_002334.4(LRP4):c.3073G>C (p.Gly1025Arg)

Gene: LRP4 (LDL receptor related protein 4; minus strand). Cytogenetic location: 11p11.2.
Variant type: single nucleotide variant.
Coding change: c.3073G>C on transcript NM_002334.4 (MANE Select); coding-DNA position 3073, G replaced by C.
Protein change: p.Gly1025Arg; replaces glycine 1025 with arginine.
Molecular consequence: missense variant.
Genome position (GRCh38, 1-based): chr11:46,878,970, C>G on the plus strand (G>C on the coding strand, the complement: LRP4 is on the minus strand). VCF-style: chr11-46878970-C-G. GRCh37 (hg19) VCF-style: chr11-46900521-C-G.
Other names: short protein forms G1025R.
Identifiers: ClinVar variation 806670 (VCV000806670.56), dbSNP rs141565454, ClinGen allele CA5969704.
Genomic context (GRCh38, chr11:46,878,970, plus strand): 5'-GTGAGCAGGTCTTGCCATCAGACAGCAGGTTGATGCCTGTGGGGCAGGTACAGCTGAATC[C>G]GCTTGGATTTGGGGACCTAAGACACAGGTGGCTACAGCCGCCATTCTCCATAGCACATGG-3'
Protein context (NP_002325.2, residues 1015-1035): HLCLRSPNPS[Gly1025Arg]FSCTCPTGIN

ClinVar aggregate classification (germline): Uncertain significance. Review status: criteria provided, multiple submitters, no conflicts (2 of 4 stars). 7 submissions from 7 submitters: Uncertain significance (7). Last evaluated 2025-12-09.

Conditions:
Cenani-Lenz syndactyly syndrome. Also called: SYNDACTYLY, TYPE VII; CENANI SYNDACTYLISM. Identifiers: Orphanet 3258, MedGen C1859309, MONDO:0008931, OMIM 212780.
Congenital myasthenic syndrome 17. Identifiers: Orphanet 590, MedGen C4225377, MONDO:0014578, OMIM 616304.
Sclerosteosis 2 (SOST2). Identifiers: Orphanet 3152, MedGen C3280402, MONDO:0013679, OMIM 614305.
Inborn genetic diseases. Identifiers: MedGen C0950123, MeSH D030342.

Allele frequency attached by ClinVar (database versions not stated): ExAC 0.00006; TOPMed 0.00006; ESP Exome Variant Server 0.00008; gnomAD 0.00008 and 0.00009.
gnomAD v4.1: 92 of 1,614,212 alleles (0.0057%); highest among the groups gnomAD compares: Middle Eastern, 0.016%; no homozygotes.

Submissions (7):

Labcorp Genetics (formerly Invitae), Labcorp
Classification: Uncertain significance for Cenani-Lenz syndactyly syndrome; Sclerosteosis 2; Congenital myasthenic syndrome 17. Last evaluated: 2025-12-09. Review status: criteria provided, single submitter. Criteria: Invitae Variant Classification Sherloc (09022015). Collection method: clinical testing. Allele origin: germline.
Comment: This sequence change replaces glycine, which is neutral and non-polar, with arginine, which is basic and polar, at codon 1025 of the LRP4 protein (p.Gly1025Arg). This variant is present in population databases (rs141565454, gnomAD 0.02%). This variant has not been reported in the literature in individuals affected with LRP4-related conditions. ClinVar contains an entry for this variant (Variation ID: 806670). An algorithm developed to predict the effect of missense changes on protein structure and function (PolyPhen-2) suggests that this variant is likely to be tolerated. In summary, the available evidence is currently insufficient to determine the role of this variant in disease. Therefore, it has been classified as a Variant of Uncertain Significance.

Fulgent Genetics
Classification: Uncertain significance for Cenani-Lenz syndactyly syndrome; Sclerosteosis 2; Congenital myasthenic syndrome 17. Last evaluated: 2024-03-25. Review status: criteria provided, single submitter. Criteria: ACMG Guidelines, 2015. Collection method: clinical testing. Allele origin: germline.

Revvity Omics, Revvity
Classification: Uncertain significance. Last evaluated: 2023-11-28. Review status: criteria provided, single submitter. Criteria: ACMG Guidelines, 2015. Collection method: clinical testing. Allele origin: germline.

Ambry Genetics
Classification: Uncertain significance for Inborn genetic diseases. Last evaluated: 2022-05-18. Review status: criteria provided, single submitter. Criteria: Ambry Variant Classification Scheme 2023. Collection method: clinical testing. Allele origin: germline.

CeGaT Center for Human Genetics Tuebingen
Classification: Uncertain significance. Last evaluated: 2019-02-01. Review status: criteria provided, single submitter. Criteria: CeGaT Center For Human Genetics Tuebingen Variant Classification Criteria Version 2. Collection method: clinical testing. Allele origin: germline. Affected: yes. Observed: 1 variant allele.

Illumina Laboratory Services, Illumina
Classification: Uncertain significance for Cenani-Lenz syndactyly syndrome. Last evaluated: 2018-01-13. Review status: criteria provided, single submitter. Criteria: ICSL Variant Classification Criteria 13 December 2019. Collection method: clinical testing. Allele origin: germline.

Breakthrough Genomics
Classification: Uncertain significance. Review status: criteria provided, single submitter. Criteria: ACMG Guidelines, 2015. Collection method: not provided. Allele origin: germline. Inheritance: Autosomal recessive inheritance. Affected: yes.